The following is an entry in ClinVar:

NM_000543.5(SMPD1):c.208_227del (p.Pro70fs)

Gene: SMPD1 (sphingomyelin phosphodiesterase 1; plus strand). Cytogenetic location: 11p15.4.
Variant type: Deletion.
Coding change: c.208_227del on transcript NM_000543.5 (MANE Select); coding-DNA positions 208 to 227, 20 bases deleted (CCTGCCAGGTTACATCGCAT).
Protein change: p.Pro70fs; shifts the reading frame from proline 70.
Molecular consequence: frameshift variant. On other transcripts: 5 prime UTR variant (1), non-coding transcript variant (2).
Genome position (GRCh38, 1-based): chr11:6,390,806-6,390,825, CCTGCCAGGTTACATCGCAT deleted; deleting any 20 consecutive bases within chr11:6,390,803-6,390,825 gives the same sequence; the c. name uses the placement nearest the transcript's 3' end. VCF-style (leftmost placement, unchanged base first): chr11-6390802-CCATCCTGCCAGGTTACATCG-C. GRCh37 (hg19) VCF-style: chr11-6412032-CCATCCTGCCAGGTTACATCG-C.
Other names: c.208_227del, p.Pro70fs (NM_001007593.3, NM_001318087.2, NM_001365135.2); c.-754_-735del (NM_001318088.2); short protein forms P70fs.
Identifiers: ClinVar variation 1456733 (VCV001456733.6), dbSNP rs2134006350, ClinGen allele CA2573147170.

ClinVar aggregate classification (germline): Pathogenic (1 of 4 stars; one submission).

Conditions:
Niemann-Pick disease, type B. Also called: Chronic Visceral ASMD (Niemann-Pick Disease Type B; NPD-B). Identifiers: Orphanet 77293, MedGen C0268243, MONDO:0011871, OMIM 607616. Disease mechanism: loss of function.
Niemann-Pick disease, type A. Also called: Infantile Neurovisceral ASMD (Niemann-Pick Disease Type A; NPD-A); SPHINGOMYELIN LIPIDOSIS; SPHINGOMYELINASE DEFICIENCY. Identifiers: Orphanet 77292, MedGen C0268242, MONDO:0009756, OMIM 257200. Disease mechanism: loss of function.

Submission:

Labcorp Genetics (formerly Invitae), Labcorp
Classification: Pathogenic for Niemann-Pick disease, type B; Niemann-Pick disease, type A. Last evaluated: 2021-11-07. Review status: criteria provided, single submitter. Criteria: Invitae Variant Classification Sherloc (09022015). Collection method: clinical testing. Allele origin: germline.
Comment: This variant is not present in population databases (gnomAD no frequency). For these reasons, this variant has been classified as Pathogenic. This variant has not been reported in the literature in individuals affected with SMPD1-related conditions. This sequence change creates a premature translational stop signal (p.Pro70Serfs*65) in the SMPD1 gene. It is expected to result in an absent or disrupted protein product. Loss-of-function variants in SMPD1 are known to be pathogenic (PMID: 12369017, 15221801).

Literature cited by the submitters: PubMed 12369017; PubMed 15221801.